The following is an entry in ClinVar:

ClinVar aggregate classification (germline): Conflicting classifications of pathogenicity. Review status: criteria provided, conflicting classifications (1 of 4 stars). 3 submissions from 3 submitters: Uncertain significance (2); Likely benign (1). Last evaluated 2025-12-01.

Conditions:
Epidermolysis bullosa simplex 5C, with pyloric atresia (EBS5C). Also called: Epidermolysis bullosa simplex with pyloric atresia; PLEC-Related Epidermolysis Bullosa with Pyloric Atresia; PLEC1-Related Epidermolysis Bullosa with Pyloric Atresia. Identifiers: Orphanet 158684, MedGen C2677349, MONDO:0012807, OMIM 612138.
Autosomal recessive limb-girdle muscular dystrophy type 2Q (LGMDR17). Also called: MUSCULAR DYSTROPHY, LIMB-GIRDLE, AUTOSOMAL RECESSIVE 17. Identifiers: Orphanet 254361, MedGen C3150989, MONDO:0013390, OMIM 613723.
Epidermolysis bullosa simplex, Ogna type (EBS5A). Also called: Pidermolysis bullosa simplex 5A, Ogna type; EPIDERMOLYSIS BULLOSA SIMPLEX 5A, OGNA TYPE. Identifiers: Orphanet 79401, MedGen C0432317, MONDO:0007555, OMIM 131950.
Epidermolysis bullosa simplex 5B, with muscular dystrophy (EBS5B). Also called: Epidermolysis bullosa simplex with muscular dystrophy; EPIDERMOLYSIS BULLOSA SIMPLEX AND LIMB-GIRDLE MUSCULAR DYSTROPHY. Identifiers: Orphanet 257, MedGen C2931072, MONDO:0009181, OMIM 226670.
Epidermolysis bullosa simplex with nail dystrophy (EBS5D). Identifiers: MedGen C4225309, MONDO:0014661, OMIM 616487.

Allele frequency attached by ClinVar (database versions not stated): ExAC 0.00001; gnomAD 0.00001; gnomAD exomes 0.00001 and 0.00002; TOPMed 0.00001.
gnomAD v4.1: 16 of 1,612,268 alleles (0.00099%); highest among the groups gnomAD compares: Middle Eastern, 0.033%; 1 homozygote.

Submissions (3):

Labcorp Genetics (formerly Invitae), Labcorp
Classification: Uncertain significance for Autosomal recessive limb-girdle muscular dystrophy type 2Q; Epidermolysis bullosa simplex, Ogna type; Epidermolysis bullosa simplex with nail dystrophy; Epidermolysis bullosa simplex 5C, with pyloric atresia; Epidermolysis bullosa simplex 5B, with muscular dystrophy. Last evaluated: 2025-12-01. Review status: criteria provided, single submitter. Criteria: Invitae Variant Classification Sherloc (09022015). Collection method: clinical testing. Allele origin: germline.
Comment: This sequence change replaces arginine, which is basic and polar, with histidine, which is basic and polar, at codon 2716 of the PLEC protein (p.Arg2716His). This variant is present in population databases (rs782161008, gnomAD 0.007%), including at least one homozygous and/or hemizygous individual. This variant has not been reported in the literature in individuals affected with PLEC-related conditions. ClinVar contains an entry for this variant (Variation ID: 283947). An algorithm developed to predict the effect of missense changes on protein structure and function outputs the following: PolyPhen-2: "Benign". The histidine amino acid residue is found in multiple mammalian species, which suggests that this missense change does not adversely affect protein function. In summary, the available evidence is currently insufficient to determine the role of this variant in disease. Therefore, it has been classified as a Variant of Uncertain Significance.

GeneDx
Classification: Likely benign. Last evaluated: 2017-04-03. Review status: criteria provided, single submitter. Criteria: GeneDx Variant Classification (06012015). Collection method: clinical testing. Allele origin: germline. Affected: yes.
Comment: This variant is considered likely benign or benign based on one or more of the following criteria: it is a conservative change, it occurs at a poorly conserved position in the protein, it is predicted to be benign by multiple in silico algorithms, and/or has population frequency not consistent with disease.

Eurofins Ntd Llc (ga)
Classification: Uncertain significance. Last evaluated: 2015-10-15. Review status: criteria provided, single submitter. Criteria: EGL Classification Definitions 2015. Collection method: clinical testing. Allele origin: germline. Observed: 2 variant alleles, 2 heterozygotes.

NM_201384.3(PLEC):c.8066G>A (p.Arg2689His)

Gene: PLEC (plectin; minus strand). Cytogenetic location: 8q24.3.
Variant type: single nucleotide variant.
Coding change: c.8066G>A on transcript NM_201384.3 (MANE Select); coding-DNA position 8066, G replaced by A.
Protein change: p.Arg2689His; replaces arginine 2689 with histidine.
Molecular consequence: missense variant.
Genome position (GRCh38, 1-based): chr8:143,921,755, C>T on the plus strand (G>A on the coding strand, the complement: PLEC is on the minus strand). VCF-style: chr8-143921755-C-T. GRCh37 (hg19) VCF-style: chr8-144995923-C-T.
Other names: c.8147G>A, p.Arg2716His (NM_000445.5); c.8024G>A, p.Arg2675His (NM_201378.4); c.8000G>A, p.Arg2667His (NM_201379.3); c.8477G>A, p.Arg2826His (NM_201380.4); c.7970G>A, p.Arg2657His (NM_201381.3); c.8066G>A, p.Arg2689His (NM_201382.4); c.8078G>A, p.Arg2693His (NM_201383.3); short protein forms R2657H, R2675H, R2689H, R2826H, R2667H, R2693H, R2716H.
Identifiers: ClinVar variation 283947 (VCV000283947.9), dbSNP rs782161008, ClinGen allele CA4925429.